The following is an entry in ClinVar:

NM_001145026.2(PTPRQ):c.3022A>T (p.Asn1008Tyr)

Gene: PTPRQ (protein tyrosine phosphatase receptor type Q; plus strand). Cytogenetic location: 12q21.31.
Variant type: single nucleotide variant.
Coding change: c.3022A>T on transcript NM_001145026.2 (MANE Select); coding-DNA position 3022, A replaced by T.
Protein change: p.Asn1008Tyr; replaces asparagine 1008 with tyrosine.
Molecular consequence: missense variant.
Genome position (GRCh38, 1-based): chr12:80,539,812, A>T. VCF-style: chr12-80539812-A-T. GRCh37 (hg19) VCF-style: chr12-80933591-A-T.
Other names: short protein forms N1008Y.
Identifiers: ClinVar variation 2501109 (VCV002501109.1), dbSNP rs2541600597, ClinGen allele CA385871011.

ClinVar aggregate classification (germline): Likely pathogenic (1 of 4 stars; one submission).

Conditions:
Autosomal recessive nonsyndromic hearing loss 84A. Also called: DEAFNESS, AUTOSOMAL RECESSIVE 84A; DEAFNESS, AUTOSOMAL RECESSIVE 84A, WITH VESTIBULAR DYSFUNCTION. Identifiers: Orphanet 90636, MedGen C3150654, MONDO:0013249, OMIM 613391.

Submission:

Women's Health and Genetics/Laboratory Corporation of America, LabCorp
Classification: Likely pathogenic for Autosomal recessive nonsyndromic hearing loss 84A. Last evaluated: 2023-03-01. Review status: criteria provided, single submitter. Criteria: LabCorp Variant Classification Summary - May 2015. Collection method: clinical testing. Allele origin: germline.
Comment: Variant summary: PTPRQ c.3022A>T (p.Lys1008X) results in a premature termination codon, predicted to cause a truncation of the encoded protein or absence of the protein due to nonsense mediated decay, which are commonly known mechanisms for disease. The variant was absent in 152682 control chromosomes (gnomAD). To our knowledge, no occurrence of c.3022A>T in individuals affected with Autosomal Recessive Nonsyndromic Hearing Loss and no experimental evidence demonstrating its impact on protein function have been reported. No clinical diagnostic laboratories have submitted clinical-significance assessments for this variant to ClinVar after 2014. Based on the evidence outlined above, the variant was classified as likely pathogenic.